The following is an entry in ClinVar:

NM_000516.7(GNAS):c.1174G>A (p.Glu392Lys)

Gene: GNAS (GNAS complex locus; plus strand). Cytogenetic location: 20q13.32.
Variant type: single nucleotide variant.
Coding change: c.1174G>A on transcript NM_000516.7 (MANE Select); coding-DNA position 1174, G replaced by A.
Protein change: p.Glu392Lys; replaces glutamic acid 392 with lysine.
Molecular consequence: missense variant. On other transcripts: 3 prime UTR variant (2).
Genome position (GRCh38, 1-based): chr20:58,910,818, G>A. VCF-style: chr20-58910818-G-A. GRCh37 (hg19) VCF-style: chr20-57485873-G-A.
Other names: c.1177G>A, p.Glu393Lys (NM_001077488.5); c.1129G>A, p.Glu377Lys (NM_001077489.4); c.*1035G>A (NM_001077490.3); c.997G>A, p.Glu333Lys (NM_001309840.2, NM_001309861.2); c.*1080G>A (NM_016592.5); c.3103G>A, p.Glu1035Lys (NM_080425.4); c.1132G>A, p.Glu378Lys (NM_080426.4); short protein forms E392K, E393K, E378K, E1035K, E333K, E377K.
Identifiers: ClinVar variation 29747 (VCV000029747.15), dbSNP rs397514456, ClinGen allele CA128615.

ClinVar aggregate classification (germline): Pathogenic/Likely pathogenic. Review status: criteria provided, multiple submitters, no conflicts (2 of 4 stars). 4 submissions from 4 submitters: Pathogenic (2); Likely pathogenic (1). 1 of the submissions does not count toward it. Last evaluated 2024-09-01.

Conditions:
Pseudohypoparathyroidism type I A (PHP1A). Also called: Pseudohypoparathyroidism Type IA; PHP IA; Pseudohypoparathyroidism type 1A; Pseudohypoparathyroidism Ia (PHP-Ia); ALBRIGHT HEREDITARY OSTEODYSTROPHY WITH MULTIPLE HORMONE RESISTANCE. Identifiers: Orphanet 79443, MedGen C3494506, MONDO:0007078, OMIM 103580.
Pseudohypoparathyroidism type 1C (PHP1C). Also called: Pseudohypoparathyroidism Ic (PHP-Ic); PHP IC; PSEUDOHYPOPARATHYROIDISM, TYPE IC. Identifiers: Orphanet 79444, MedGen C2932716, MONDO:0012911, OMIM 612462.

Submissions (4):

Suzhou Clinical Center for Rare Diseases in Children, Children's Hospital of Soochow University
Classification: Likely pathogenic for Pseudohypoparathyroidism type I A. Last evaluated: 2024-09-01. Review status: criteria provided, single submitter. Criteria: ACMG Guidelines, 2015. Collection method: clinical testing. Allele origin: maternal. Affected: yes.
Comment: The NM_000516.7:c.1174G>A (p.Glu392Lys) variant of GNAS is a missense variant that has been reported in the literature to have a higher frequency in patients compared to the control group, and this variant has been detected in multiple unrelated patients (PMID: 24651309, 21525160, 21488135,12970262) (PS4). The gnomAD database does not include this variant's frequency in the population (PM2_Supproting). Revel score is 0.84 (PP3_Moderate). According to the ACMG guidelines, this variant is classified as pathogenic (PS4 + PM2_Supporting + PP3_Moderate).

Labcorp Genetics (formerly Invitae), Labcorp
Classification: Pathogenic. Last evaluated: 2020-10-21. Review status: criteria provided, single submitter. Criteria: Invitae Variant Classification Sherloc (09022015). Collection method: clinical testing. Allele origin: germline.
Comment: This sequence change replaces glutamic acid with lysine at codon 392 of the GNAS protein (p.Glu392Lys). The glutamic acid residue is highly conserved and there is a small physicochemical difference between glutamic acid and lysine. This variant is not present in population databases (ExAC no frequency). This variant has been observed in individual(s) with pseudohypoparathyroidism and pseudopseudohypoparathyroidism (PMID: 12970262, 21488135, 24651309, 21525160). ClinVar contains an entry for this variant (Variation ID: 29747). Experimental studies have shown that this variant affects GNAS protein function (PMID: 21488135). For these reasons, this variant has been classified as Pathogenic.

Eurofins Ntd Llc (ga)
Classification: Pathogenic. Last evaluated: 2015-03-10. Review status: criteria provided, single submitter. Criteria: EGL Classification Definitions 2015. Collection method: clinical testing. Allele origin: germline. Observed: 1 variant allele, 1 heterozygote.

OMIM
Classification: Pathogenic for PSEUDOHYPOPARATHYROIDISM, TYPE IC. Last evaluated: 2011-06-01. Review status: no assertion criteria provided. Collection method: literature only. Allele origin: germline. Not counted in ClinVar's aggregate classification.

Literature cited by the submitters: PubMed 12970262 (cited by Labcorp Genetics (formerly Invitae), Labcorp); PubMed 21488135 (cited by Labcorp Genetics (formerly Invitae), Labcorp and OMIM); PubMed 24651309 (cited by Labcorp Genetics (formerly Invitae), Labcorp); PubMed 21525160 (cited by Labcorp Genetics (formerly Invitae), Labcorp).